The following is an entry in ClinVar:

NM_003036.4(SKI):c.557G>C (p.Cys186Ser)

Gene: SKI (SKI proto-oncogene; plus strand). Cytogenetic location: 1p36.33.
Variant type: single nucleotide variant.
Coding change: c.557G>C on transcript NM_003036.4 (MANE Select); coding-DNA position 557, G replaced by C.
Protein change: p.Cys186Ser; replaces cysteine 186 with serine.
Molecular consequence: missense variant.
Genome position (GRCh38, 1-based): chr1:2,229,323, G>C. VCF-style: chr1-2229323-G-C. GRCh37 (hg19) VCF-style: chr1-2160762-G-C.
Other names: short protein forms C186S.
Identifiers: ClinVar variation 4165714 (VCV004165714.1).
Genomic context (GRCh38, chr1:2,229,323, plus strand): 5'-TCCTGCCCTTCTCGGCGCCCTCGTGCGGGCTCATCACCAAGACGGACGCCGAGCGCCTGT[G>C]CAACGCGCTGCTCTACGGCGGCGCCTACCCGCCGCCCTGCAAGAAGGAGCTGGCCGCCAG-3'
Protein context (NP_003027.1, residues 176-196): LITKTDAERL[Cys186Ser]NALLYGGAYP

ClinVar aggregate classification (germline): Uncertain significance (1 of 4 stars; one submission).

Conditions:
Familial thoracic aortic aneurysm and aortic dissection (TAAD). Also called: Thoracic aortic aneurysms and dissections. Identifiers: Orphanet 91387, MedGen C4707243, MONDO:0019625.

Submission:

Ambry Genetics
Classification: Uncertain significance for Familial thoracic aortic aneurysm and aortic dissection. Last evaluated: 2025-07-09. Review status: criteria provided, single submitter. Criteria: Ambry Variant Classification Scheme 2023. Collection method: clinical testing. Allele origin: germline.
Comment: The p.C186S variant (also known as c.557G>C), located in coding exon 1 of the SKI gene, results from a G to C substitution at nucleotide position 557. The cysteine at codon 186 is replaced by serine, an amino acid with dissimilar properties. This amino acid position is conserved. In addition, this alteration is predicted to be deleterious by in silico analysis. Based on the available evidence, the clinical significance of this variant remains unclear.